The following is an entry in ClinVar:

NM_001127222.2(CACNA1A):c.1277A>G (p.Lys426Arg)

Gene: CACNA1A (calcium voltage-gated channel subunit alpha1 A; minus strand). Cytogenetic location: 19p13.13.
Variant type: single nucleotide variant.
Coding change: c.1277A>G on transcript NM_001127222.2 (MANE Select); coding-DNA position 1277, A replaced by G.
Protein change: p.Lys426Arg; replaces lysine 426 with arginine.
Molecular consequence: missense variant.
Genome position (GRCh38, 1-based): chr19:13,330,312, T>C on the plus strand (A>G on the coding strand, the complement: CACNA1A is on the minus strand). VCF-style: chr19-13330312-T-C. GRCh37 (hg19) VCF-style: chr19-13441126-T-C.
Other names: c.1277A>G (NM_001127222.1); c.1280A>G, p.Lys427Arg (NM_000068.4, NM_001127221.2, NM_001174080.2 and 1 more transcripts); short protein forms K426R, K427R.
Identifiers: ClinVar variation 1011495 (VCV001011495.10), dbSNP rs1225290298, ClinGen allele CA404346183.

ClinVar aggregate classification (germline): Uncertain significance. Review status: criteria provided, multiple submitters, no conflicts (2 of 4 stars). 2 submissions from 2 submitters: Uncertain significance (2). Last evaluated 2024-12-08.

Conditions:
CACNA1A-related disorder. Also called: CACNA1A-related condition.
Episodic ataxia type 2 (EA2). Also called: ACETAZOLAMIDE-RESPONSIVE HEREDITARY PAROXYSMAL CEREBELLAR ATAXIA; ATAXIA, EPISODIC, WITH NYSTAGMUS; ATAXIA, FAMILIAL PAROXYSMAL; CEREBELLAR ATAXIA, PAROXYSMAL, ACETAZOLAMIDE-RESPONSIVE; CEREBELLOPATHY, HEREDITARY PAROXYSMAL; EPISODIC ATAXIA, NYSTAGMUS-ASSOCIATED. Identifiers: Orphanet 97, MedGen C1720416, MONDO:0007163, OMIM 108500.
Developmental and epileptic encephalopathy, 42 (DEE42A). Also called: Epileptic encephalopathy, early infantile, 42; DEVELOPMENTAL AND EPILEPTIC ENCEPHALOPATHY 42A; EPILEPTIC ENCEPHALOPATHY, EARLY INFANTILE, 42A. Identifiers: MedGen C4310716, MONDO:0014917, OMIM 617106.

Allele frequency attached by ClinVar (database versions not stated): TOPMed below 0.00001.
gnomAD v4.1: 3 of 1,564,090 alleles (0.00019%); highest among the groups gnomAD compares: Non-Finnish European, 0.00026%; no homozygotes.

Submissions (2):

PreventionGenetics, part of Exact Sciences
Classification: Uncertain significance for CACNA1A-related condition. Last evaluated: 2024-12-08. Review status: criteria provided, single submitter. Criteria: ACMG Guidelines, 2015. Collection method: clinical testing. Allele origin: germline.
Comment: The CACNA1A c.1277A>G variant is predicted to result in the amino acid substitution p.Lys426Arg. To our knowledge, this variant has not been reported in the literature. This variant is reported in 0.0011% of alleles in individuals of European (Non-Finnish) descent in gnomAD. At this time, the clinical significance of this variant is uncertain due to the absence of conclusive functional and genetic evidence.

Labcorp Genetics (formerly Invitae), Labcorp
Classification: Uncertain significance for Developmental and epileptic encephalopathy, 42; Episodic ataxia type 2. Last evaluated: 2020-06-03. Review status: criteria provided, single submitter. Criteria: Invitae Variant Classification Sherloc (09022015). Collection method: clinical testing. Allele origin: germline.
Comment: In summary, the available evidence is currently insufficient to determine the role of this variant in disease. Therefore, it has been classified as a Variant of Uncertain Significance. This variant is not present in population databases (ExAC no frequency). This variant has not been reported in the literature in individuals with CACNA1A-related conditions. Algorithms developed to predict the effect of missense changes on protein structure and function are either unavailable or do not agree on the potential impact of this missense change (SIFT: "Deleterious"; PolyPhen-2: "Benign"; Align-GVGD: "Class C25"). This sequence change replaces lysine with arginine at codon 427 of the CACNA1A protein (p.Lys427Arg). The lysine residue is highly conserved and there is a small physicochemical difference between lysine and arginine.